The following is an entry in ClinVar:

NM_005120.3(MED12):c.1561C>T (p.Arg521Cys)

Genes: MED12 (mediator complex subunit 12; plus strand), LOC126863275 (BRD4-independent group 4 enhancer GRCh37_chrX:70342400-70343599; plus strand). Cytogenetic location: Xq13.1.
Variant type: single nucleotide variant.
Coding change: c.1561C>T on transcript NM_005120.3 (MANE Select); coding-DNA position 1561, C replaced by T.
Protein change: p.Arg521Cys; replaces arginine 521 with cysteine.
Molecular consequence: missense variant.
Genome position (GRCh38, 1-based): chrX:71,123,170, C>T. VCF-style: chrX-71123170-C-T. GRCh37 (hg19) VCF-style: chrX-70343020-C-T.
Other names: short protein forms R521C.
Identifiers: ClinVar variation 800764 (VCV000800764.5), dbSNP rs1602295979, ClinGen allele CA413507461.

ClinVar aggregate classification (germline): Conflicting classifications of pathogenicity. Review status: criteria provided, conflicting classifications (1 of 4 stars). 4 submissions from 4 submitters: Likely pathogenic (1); Uncertain significance (2). 1 of the submissions does not count toward it. Last evaluated 2025-05-23.

Conditions:
FG syndrome (FGS). Identifiers: MedGen C0220769, MONDO:0002010.
X-linked MED12-related disorder.

Submissions (4):

Revvity Omics, Revvity
Classification: Likely pathogenic. Last evaluated: 2025-05-23. Review status: criteria provided, single submitter. Criteria: ACMG Guidelines, 2015. Collection method: clinical testing. Allele origin: germline.

Labcorp Genetics (formerly Invitae), Labcorp
Classification: Uncertain significance for FG syndrome. Last evaluated: 2025-01-27. Review status: criteria provided, single submitter. Criteria: Invitae Variant Classification Sherloc (09022015). Collection method: clinical testing. Allele origin: germline.
Comment: This sequence change replaces arginine, which is basic and polar, with cysteine, which is neutral and slightly polar, at codon 521 of the MED12 protein (p.Arg521Cys). This variant is not present in population databases (gnomAD no frequency). This variant has not been reported in the literature in individuals affected with MED12-related conditions. ClinVar contains an entry for this variant (Variation ID: 800764). Invitae Evidence Modeling of protein sequence and biophysical properties (such as structural, functional, and spatial information, amino acid conservation, physicochemical variation, residue mobility, and thermodynamic stability) indicates that this missense variant is expected to disrupt MED12 protein function with a positive predictive value of 95%. In summary, the available evidence is currently insufficient to determine the role of this variant in disease. Therefore, it has been classified as a Variant of Uncertain Significance.

GeneDx
Classification: Uncertain significance. Last evaluated: 2024-01-29. Review status: criteria provided, single submitter. Criteria: GeneDx Variant Classification Process June 2021. Collection method: clinical testing. Allele origin: germline. Affected: yes.
Comment: Not observed at significant frequency in large population cohorts (gnomAD); In silico analysis supports that this missense variant has a deleterious effect on protein structure/function; Reported in an abstract in a patient with features of MED12-related neurodevelopmental and multiple anomalies spectrum disorder (Weaver N et al. DOI 10.1016/j.gimo.2023.100378); This variant is associated with the following publications: (PMID: 26813965, 33035779, Weaver2023[casereport])

Biochemical Molecular Genetic Laboratory, King Abdulaziz Medical City
Classification: Uncertain significance for X-linked MED12-related disorder. Last evaluated: 2019-01-29. Review status: no assertion criteria provided. Collection method: clinical testing. Allele origin: germline. Affected: yes. Not counted in ClinVar's aggregate classification.